The following is an entry in ClinVar:

ClinVar aggregate classification (germline): Uncertain significance. Review status: criteria provided, multiple submitters, no conflicts (2 of 4 stars). 3 submissions from 3 submitters: Uncertain significance (2). 1 of the submissions does not count toward it. Last evaluated 2022-03-13.

Conditions:
Spondyloepimetaphyseal dysplasia, Genevieve type. Also called: SEMD Genevieve type; NANS DEFICIENCY. Identifiers: Orphanet 168454, MedGen C1864872, MONDO:0012495, OMIM 610442.

Allele frequency attached by ClinVar (database versions not stated): TOPMed 0.00001.
gnomAD v4.1: 18 of 1,614,014 alleles (0.0011%); highest among the groups gnomAD compares: South Asian, 0.0022%; no homozygotes.

Submissions (3):

Labcorp Genetics (formerly Invitae), Labcorp
Classification: Uncertain significance. Last evaluated: 2022-03-13. Review status: criteria provided, single submitter. Criteria: Invitae Variant Classification Sherloc (09022015). Collection method: clinical testing. Allele origin: germline.
Comment: This sequence change replaces arginine, which is basic and polar, with histidine, which is basic and polar, at codon 151 of the NANS protein (p.Arg151His). This variant is present in population databases (rs140402727, gnomAD 0.002%). This missense change has been observed in individual(s) with spondyloepimetaphyseal dysplasia, Camera-Genevieve type (PMID: 27213289). ClinVar contains an entry for this variant (Variation ID: 235187). Algorithms developed to predict the effect of missense changes on protein structure and function are either unavailable or do not agree on the potential impact of this missense change (SIFT: "Tolerated"; PolyPhen-2: "Possibly Damaging"; Align-GVGD: "Class C0"). In summary, the available evidence is currently insufficient to determine the role of this variant in disease. Therefore, it has been classified as a Variant of Uncertain Significance.

Dubai Health Genomic Medicine Center, Dubai Health
Classification: Uncertain significance. Last evaluated: 2020-09-17. Review status: criteria provided, single submitter. Criteria: ACMG Guidelines, 2015. Collection method: clinical testing. Allele origin: germline. Affected: yes.
Comment: It has also been identified in 2/113738 (0.002% 0 homozygotes) European Non Finnish alleles in the Genome Aggregation Database (gnomAD). Computational prediction tools and conservation analysis suggest an impact to protein function though this information is not predictive enough to confirm pathogenicity In summary more information is needed to fully assess the clinical significance of this variant.

OMIM
Classification: Pathogenic for SPONDYLOEPIMETAPHYSEAL DYSPLASIA, GENEVIEVE TYPE. Last evaluated: 2017-06-20. Review status: no assertion criteria provided. Collection method: literature only. Allele origin: germline. Not counted in ClinVar's aggregate classification.

Literature cited by the submitters: PubMed 27213289 (cited by Labcorp Genetics (formerly Invitae), Labcorp and OMIM); PubMed 15726110 (cited by OMIM).

NM_018946.4(NANS):c.452G>A (p.Arg151His)

Genes: TRIM14 (tripartite motif containing 14; minus strand), NANS (N-acetylneuraminate synthase; plus strand). Cytogenetic location: 9q22.33.
Variant type: single nucleotide variant.
Coding change: c.452G>A on transcript NM_018946.4 (MANE Select); coding-DNA position 452, G replaced by A.
Protein change: p.Arg151His; replaces arginine 151 with histidine.
Molecular consequence: missense variant.
Genome position (GRCh38, 1-based): chr9:98,078,196, G>A. VCF-style: chr9-98078196-G-A. GRCh37 (hg19) VCF-style: chr9-100840478-G-A.
Other names: short protein forms R151H.
Identifiers: ClinVar variation 235187 (VCV000235187.8), dbSNP rs140402727, ClinGen allele CA10581237.
Genomic context (GRCh38, chr9:98,078,196, plus strand): 5'-GGAGAGTCAGAACCTCTAAAGAGAAAGTGCTGATGGTGTTGGTGCTGGATTACTCAGGTC[G>A]CCCAATGGTGATCTCCAGTGGGATGCAGTCAATGGACACCATGAAGCAAGTTTATCAGAT-3'
Protein context (NP_061819.2, residues 141-161): PYLEKTAKKG[Arg151His]PMVISSGMQS